The following is an entry in ClinVar:

ClinVar aggregate classification (germline): Uncertain significance. Review status: criteria provided, multiple submitters, no conflicts (2 of 4 stars). 2 submissions from 2 submitters: Uncertain significance (2). Last evaluated 2022-11-29.

Conditions:
Long QT syndrome (LQTS). Identifiers: MedGen C0023976, MeSH D008133, MONDO:0002442. Disease mechanism: loss of function. Inheritance: Various modes of inheritance.
Cardiovascular phenotype. Identifiers: MedGen CN230736.

Allele frequency attached by ClinVar (database versions not stated): gnomAD exomes below 0.00001; gnomAD 0.00001.
gnomAD v4.1: 4 of 1,567,794 alleles (0.00026%); highest among the groups gnomAD compares: Admixed American, 0.0056%; no homozygotes.

Submissions (2):

Labcorp Genetics (formerly Invitae), Labcorp
Classification: Uncertain significance for Long QT syndrome. Last evaluated: 2022-11-29. Review status: criteria provided, single submitter. Criteria: Invitae Variant Classification Sherloc (09022015). Collection method: clinical testing. Allele origin: germline.
Comment: In summary, the available evidence is currently insufficient to determine the role of this variant in disease. Therefore, it has been classified as a Variant of Uncertain Significance. Advanced modeling of protein sequence and biophysical properties (such as structural, functional, and spatial information, amino acid conservation, physicochemical variation, residue mobility, and thermodynamic stability) has been performed at Invitae for this missense variant, however the output from this modeling did not meet the statistical confidence thresholds required to predict the impact of this variant on ANK2 protein function. This variant has not been reported in the literature in individuals affected with ANK2-related conditions. The frequency data for this variant in the population databases is considered unreliable, as metrics indicate poor data quality at this position in the gnomAD database. This sequence change replaces arginine, which is basic and polar, with glutamine, which is neutral and polar, at codon 473 of the ANK2 protein (p.Arg473Gln).

Ambry Genetics
Classification: Uncertain significance for Cardiovascular phenotype. Last evaluated: 2021-08-20. Review status: criteria provided, single submitter. Criteria: Ambry Variant Classification Scheme 2023. Collection method: clinical testing. Allele origin: germline.
Comment: The p.R473Q variant (also known as c.1418G>A), located in coding exon 14 of the ANK2 gene, results from a G to A substitution at nucleotide position 1418. The arginine at codon 473 is replaced by glutamine, an amino acid with highly similar properties. This amino acid position is highly conserved in available vertebrate species. In addition, this alteration is predicted to be deleterious by in silico analysis. Since supporting evidence is limited at this time, the clinical significance of this alteration remains unclear.

NM_001148.6(ANK2):c.1418G>A (p.Arg473Gln)

Gene: ANK2 (ankyrin 2; plus strand). Cytogenetic location: 4q26.
Variant type: single nucleotide variant.
Coding change: c.1418G>A on transcript NM_001148.6 (MANE Select); coding-DNA position 1418, G replaced by A.
Protein change: p.Arg473Gln; replaces arginine 473 with glutamine.
Molecular consequence: missense variant.
Genome position (GRCh38, 1-based): chr4:113,264,928, G>A. VCF-style: chr4-113264928-G-A. GRCh37 (hg19) VCF-style: chr4-114186084-G-A.
Other names: c.1331G>A, p.Arg444Gln (NM_001354276.2, NM_001386142.1, NM_001386162.1 and 13 more transcripts); c.1133G>A, p.Arg378Gln (NM_001354277.2, NM_001386157.1, NM_001386158.1); c.1355G>A, p.Arg452Gln (NM_001386143.1, NM_001386156.1, NM_001386161.1 and 14 more transcripts); c.1376G>A, p.Arg459Gln (NM_001386160.1, NM_001354261.2, NM_001386147.1); c.1469G>A, p.Arg490Gln (NM_001386174.1); c.1445G>A, p.Arg482Gln (NM_001386175.1); c.1406G>A, p.Arg469Gln (NM_001386186.2, NM_001386148.2); c.1382G>A, p.Arg461Gln (NM_001386187.2); and 4 more; short protein forms R378Q, R452Q, R461Q, R482Q, R488Q, R490Q, R407Q, R444Q.
Identifiers: ClinVar variation 1772178 (VCV001772178.5), dbSNP rs1225313063, ClinGen allele CA357930919.
Genomic context (GRCh38, chr4:113,264,928, plus strand): 5'-ATGATTTGACGATCTTTGTTCCCTGGCAGCGTGGTGAGACGGCACTACACATGGCAGCCC[G>A]AGCCGGGCAGGTGGAAGTGGTCCGATGCCTCCTGAGAAATGGTGCCCTTGTTGATGCCAG-3'
Protein context (NP_001139.3, residues 463-483): RGETALHMAA[Arg473Gln]AGQVEVVRCL